The following is an entry in ClinVar:

ClinVar aggregate classification (germline): Uncertain significance (1 of 4 stars; one submission).

Conditions:
Familial adenomatous polyposis 1 (FAP1). Also called: FAMILIAL ADENOMATOUS POLYPOSIS 1, ATTENUATED; POLYPOSIS, ADENOMATOUS INTESTINAL. Identifiers: MedGen C2713442, MONDO:0021056, OMIM 175100. Disease mechanism: loss of function.

Submission:

Labcorp Genetics (formerly Invitae), Labcorp
Classification: Uncertain significance for Familial adenomatous polyposis 1. Last evaluated: 2020-06-28. Review status: criteria provided, single submitter. Criteria: Invitae Variant Classification Sherloc (09022015). Collection method: clinical testing. Allele origin: germline.
Comment: In summary, the available evidence is currently insufficient to determine the role of this variant in disease. Therefore, it has been classified as a Variant of Uncertain Significance. Algorithms developed to predict the effect of missense changes on protein structure and function (SIFT, PolyPhen-2, Align-GVGD) all suggest that this variant is likely to be disruptive, but these predictions have not been confirmed by published functional studies and their clinical significance is uncertain. This variant has not been reported in the literature in individuals with APC-related conditions. This variant is not present in population databases (ExAC no frequency). This sequence change replaces glutamine with proline at codon 1429 of the APC protein (p.Gln1429Pro). The glutamine residue is highly conserved and there is a moderate physicochemical difference between glutamine and proline.

NM_000038.6(APC):c.4286A>C (p.Gln1429Pro)

Gene: APC (APC regulator of Wnt signaling pathway; plus strand). Cytogenetic location: 5q22.2.
Variant type: single nucleotide variant.
Coding change: c.4286A>C on transcript NM_000038.6 (MANE Select); coding-DNA position 4286, A replaced by C.
Protein change: p.Gln1429Pro; replaces glutamine 1429 with proline.
Molecular consequence: missense variant.
Genome position (GRCh38, 1-based): chr5:112,839,880, A>C. VCF-style: chr5-112839880-A-C. GRCh37 (hg19) VCF-style: chr5-112175577-A-C.
Other names: c.4286A>C, p.Gln1429Pro (NM_001127510.3, NM_001354895.2); c.4232A>C, p.Gln1411Pro (NM_001127511.3); c.4340A>C, p.Gln1447Pro (NM_001354896.2); c.4316A>C, p.Gln1439Pro (NM_001354897.2); c.4211A>C, p.Gln1404Pro (NM_001354898.2); c.4202A>C, p.Gln1401Pro (NM_001354899.2); c.4163A>C, p.Gln1388Pro (NM_001354900.2); c.4109A>C, p.Gln1370Pro (NM_001354901.2); and 5 more; short protein forms Q1146P, Q1269P, Q1303P, Q1328P, Q1338P, Q1370P, Q1388P, Q1401P.
Identifiers: ClinVar variation 1014050 (VCV001014050.10), dbSNP rs1554085710, ClinGen allele CA16030721.
Genomic context (GRCh38, chr5:112,839,880, plus strand): 5'-CATGCAGTGGAATGGTAAGTGGCATTATAAGCCCCAGTGATCTTCCAGATAGCCCTGGAC[A>C]AACCATGCCACCAAGCAGAAGTAAAACACCTCCACCACCTCCTCAAACAGCTCAAACCAA-3'
Protein context (NP_000029.2, residues 1419-1439): SPSDLPDSPG[Gln1429Pro]TMPPSRSKTP